The following is an entry in ClinVar:

NM_001145860.2(POP1):c.2254del (p.Thr752fs)

Gene: POP1 (POP1 ribonuclease P/MRP subunit; plus strand). Cytogenetic location: 8q22.2.
Variant type: Deletion.
Coding change: c.2254del on transcript NM_001145860.2 (MANE Select); coding-DNA position 2254, one base deleted (A; older notation c.2254delA).
Protein change: p.Thr752fs; shifts the reading frame from threonine 752.
Molecular consequence: frameshift variant.
Genome position (GRCh38, 1-based): chr8:98,156,246, A deleted; the last of 7 consecutive A bases (chr8:98,156,240-98,156,246); deleting any one gives the same sequence. VCF-style (leftmost placement, unchanged base first): chr8-98156239-TA-T. GRCh37 (hg19) VCF-style: chr8-99168467-TA-T.
Other names: c.2254del, p.Thr752fs (NM_001145861.2, NM_015029.3); short protein forms T752fs.
Identifiers: ClinVar variation 1933405 (VCV001933405.5), dbSNP rs868622083, ClinGen allele CA182301947.
Genomic context (GRCh38, chr8:98,156,239, plus strand): 5'-ATCTCCAAATGGTAAGGAGAGTGACCTAAGAAGATCTGAGGTGCCTTGTGCTCCCATGCC[TA>T]AAAAAACTCATCAGCCATCTGATGAAGTGGGCACATCCATAGAGCACCCCAGGGAGGCAG-3'

ClinVar aggregate classification (germline): Pathogenic (1 of 4 stars; one submission).

Submission:

Labcorp Genetics (formerly Invitae), Labcorp
Classification: Pathogenic. Last evaluated: 2024-01-24. Review status: criteria provided, single submitter. Criteria: Invitae Variant Classification Sherloc (09022015). Collection method: clinical testing. Allele origin: germline.
Comment: This sequence change creates a premature translational stop signal (p.Thr752Leufs*12) in the POP1 gene. It is expected to result in an absent or disrupted protein product. Loss-of-function variants in POP1 are known to be pathogenic (PMID: 21455487). This variant is present in population databases (no rsID available, gnomAD 0.007%). This variant has not been reported in the literature in individuals affected with POP1-related conditions. ClinVar contains an entry for this variant (Variation ID: 1933405). Algorithms developed to predict the effect of sequence changes on RNA splicing suggest that this variant may disrupt the consensus splice site. For these reasons, this variant has been classified as Pathogenic.

Literature cited by the submitters: PubMed 21455487.